The following is an entry in ClinVar:

ClinVar aggregate classification (germline): Pathogenic (1 of 4 stars; one submission).

Conditions:
Peroxisome biogenesis disorder. Identifiers: Orphanet 79189, MedGen C1832200, MONDO:0019234. Disease mechanism: loss of function.

Submission:

Myriad Genetics, Inc.
Classification: Pathogenic for Peroxisome biogenesis disorder. Last evaluated: 2023-09-05. Review status: criteria provided, single submitter. Criteria: Myriad Autosomal Dominant, Autosomal Recessive and X-Linked Classification Criteria (2023). Collection method: clinical testing. Allele origin: unknown.
Comment: NM_000466.2(PEX1):c.2590G>T(E864*) is expected to be pathogenic in the context of peroxisome biogenesis disorder type 1. This variant is predicted to lead to an abnormal or absent protein product due to the creation of a premature termination codon in PEX1, a gene where loss-of-function variants are known to be pathogenic. Please note: this variant was assessed in the context of healthy population screening.

NM_000466.3(PEX1):c.2590G>T (p.Glu864Ter)

Gene: PEX1 (peroxisomal biogenesis factor 1; minus strand). Cytogenetic location: 7q21.2.
Variant type: single nucleotide variant.
Coding change: c.2590G>T on transcript NM_000466.3 (MANE Select); coding-DNA position 2590, G replaced by T.
Protein change: p.Glu864Ter; replaces glutamic acid 864 with a stop codon.
Molecular consequence: nonsense.
Genome position (GRCh38, 1-based): chr7:92,499,832, C>A on the plus strand (G>T on the coding strand, the complement: PEX1 is on the minus strand). VCF-style: chr7-92499832-C-A. GRCh37 (hg19) VCF-style: chr7-92129146-C-A.
Other names: c.2419G>T, p.Glu807Ter (NM_001282677.2); c.1966G>T, p.Glu656Ter (NM_001282678.2); short protein forms E656*, E807*, E864*.
Identifiers: ClinVar variation 5011558 (VCV005011558.1).